The following is an entry in ClinVar:

ClinVar aggregate classification (germline): Uncertain significance (1 of 4 stars; one submission).

Conditions:
Brody myopathy. Also called: BRODY DISEASE. Identifiers: Orphanet 53347, MedGen C1832918, MONDO:0010977, OMIM 601003.

Allele frequency attached by ClinVar (database versions not stated): gnomAD exomes below 0.00001.
gnomAD v4.1: 1 of 1,611,566 alleles (0.000062%); highest among the groups gnomAD compares: Non-Finnish European, 0.000085%; no homozygotes.

Submission:

Labcorp Genetics (formerly Invitae), Labcorp
Classification: Uncertain significance for Brody myopathy. Last evaluated: 2022-08-16. Review status: criteria provided, single submitter. Criteria: Invitae Variant Classification Sherloc (09022015). Collection method: clinical testing. Allele origin: germline.
Comment: This variant is not present in population databases (gnomAD no frequency). This sequence change replaces alanine, which is neutral and non-polar, with valine, which is neutral and non-polar, at codon 313 of the ATP2A1 protein (p.Ala313Val). This variant has not been reported in the literature in individuals affected with ATP2A1-related conditions. ClinVar contains an entry for this variant (Variation ID: 835511). Algorithms developed to predict the effect of missense changes on protein structure and function are either unavailable or do not agree on the potential impact of this missense change (SIFT: "Deleterious"; PolyPhen-2: "Probably Damaging"; Align-GVGD: "Class C0"). In summary, the available evidence is currently insufficient to determine the role of this variant in disease. Therefore, it has been classified as a Variant of Uncertain Significance.

NM_004320.6(ATP2A1):c.938C>T (p.Ala313Val)

Gene: ATP2A1 (ATPase sarcoplasmic/endoplasmic reticulum Ca2+ transporting 1; plus strand). Cytogenetic location: 16p11.2.
Variant type: single nucleotide variant.
Coding change: c.938C>T on transcript NM_004320.6 (MANE Select); coding-DNA position 938, C replaced by T.
Protein change: p.Ala313Val; replaces alanine 313 with valine.
Molecular consequence: missense variant.
Genome position (GRCh38, 1-based): chr16:28,888,796, C>T. VCF-style: chr16-28888796-C-T. GRCh37 (hg19) VCF-style: chr16-28900117-C-T.
Other names: c.563C>T, p.Ala188Val (NM_001286075.2); c.938C>T, p.Ala313Val (NM_173201.5); short protein forms A188V, A313V.
Identifiers: ClinVar variation 835511 (VCV000835511.10), dbSNP rs1963688577, ClinGen allele CA395404314.